The following is an entry in ClinVar:

NM_006206.6(PDGFRA):c.167G>T (p.Ser56Ile)

Gene: PDGFRA (platelet derived growth factor receptor alpha; plus strand). Cytogenetic location: 4q12.
Variant type: single nucleotide variant.
Coding change: c.167G>T on transcript NM_006206.6 (MANE Select); coding-DNA position 167, G replaced by T.
Protein change: p.Ser56Ile; replaces serine 56 with isoleucine.
Molecular consequence: missense variant.
Genome position (GRCh38, 1-based): chr4:54,261,212, G>T. VCF-style: chr4-54261212-G-T. GRCh37 (hg19) VCF-style: chr4-55127379-G-T.
Other names: c.167G>T, p.Ser56Ile (NM_001347827.2, NM_001347829.2); c.242G>T, p.Ser81Ile (NM_001347828.2); c.206G>T, p.Ser69Ile (NM_001347830.2); short protein forms S56I, S69I, S81I.
Identifiers: ClinVar variation 3225266 (VCV003225266.1), dbSNP rs587778601, ClinGen allele CA356888393.

ClinVar aggregate classification (germline): Uncertain significance (1 of 4 stars; one submission).

Conditions:
Hereditary cancer-predisposing syndrome. Also called: Neoplastic Syndromes, Hereditary; Tumor predisposition; Hereditary neoplastic syndrome; Hereditary Cancer Syndrome. Identifiers: Orphanet 140162, MedGen C0027672, MeSH D009386, MONDO:0015356.

gnomAD v4.1: 1 of 1,614,174 alleles (0.000062%); highest among the groups gnomAD compares: South Asian, 0.0011%; no homozygotes.

Submission:

Ambry Genetics
Classification: Uncertain significance for Hereditary cancer-predisposing syndrome. Last evaluated: 2023-12-15. Review status: criteria provided, single submitter. Criteria: Ambry Variant Classification Scheme 2023. Collection method: clinical testing. Allele origin: germline.
Comment: The p.S56I variant (also known as c.167G>T), located in coding exon 2 of the PDGFRA gene, results from a G to T substitution at nucleotide position 167. The serine at codon 56 is replaced by isoleucine, an amino acid with dissimilar properties. This amino acid position is conserved. In addition, this alteration is predicted to be tolerated by in silico analysis. Since supporting evidence is limited at this time, the clinical significance of this alteration remains unclear.